The following is an entry in ClinVar:

NM_002335.4(LRP5):c.884-3C>T

Gene: LRP5 (LDL receptor related protein 5; plus strand). Cytogenetic location: 11q13.2.
Variant type: single nucleotide variant.
Coding change: c.884-3C>T on transcript NM_002335.4 (MANE Select); 3 bases into the intron before coding-DNA position 884, C replaced by T.
Molecular consequence: intron variant.
Genome position (GRCh38, 1-based): chr11:68,365,568, C>T. VCF-style: chr11-68365568-C-T. GRCh37 (hg19) VCF-style: chr11-68133036-C-T.
Other names: c.-882-3C>T (NM_001291902.2).
Identifiers: ClinVar variation 1954999 (VCV001954999.5), dbSNP rs753477377, ClinGen allele CA6149158.

ClinVar aggregate classification (germline): Uncertain significance (1 of 4 stars; one submission).

Allele frequency attached by ClinVar (database versions not stated): gnomAD exomes below 0.00001; ExAC 0.00001.
gnomAD v4.1: 6 of 1,613,966 alleles (0.00037%); highest among the groups gnomAD compares: African/African-American, 0.0013%; no homozygotes.

Submission:

Labcorp Genetics (formerly Invitae), Labcorp
Classification: Uncertain significance. Last evaluated: 2022-01-31. Review status: criteria provided, single submitter. Criteria: Invitae Variant Classification Sherloc (09022015). Collection method: clinical testing. Allele origin: germline.
Comment: This sequence change falls in intron 4 of the LRP5 gene. It does not directly change the encoded amino acid sequence of the LRP5 protein. It affects a nucleotide within the consensus splice site. This variant is present in population databases (rs753477377, gnomAD 0.0009%). In summary, the available evidence is currently insufficient to determine the role of this variant in disease. Therefore, it has been classified as a Variant of Uncertain Significance. Variants that disrupt the consensus splice site are a relatively common cause of aberrant splicing (PMID: 17576681, 9536098). Algorithms developed to predict the effect of sequence changes on RNA splicing suggest that this variant is not likely to affect RNA splicing. This variant has not been reported in the literature in individuals affected with LRP5-related conditions.

Literature cited by the submitters: PubMed 17576681; PubMed 9536098.